The following is an entry in ClinVar:

NM_001365951.3(KIF1B):c.205T>C (p.Ser69Pro)

Gene: KIF1B (kinesin family member 1B; plus strand). Cytogenetic location: 1p36.22.
Variant type: single nucleotide variant.
Coding change: c.205T>C on transcript NM_001365951.3 (MANE Select); coding-DNA position 205, T replaced by C.
Protein change: p.Ser69Pro; replaces serine 69 with proline.
Molecular consequence: missense variant.
Genome position (GRCh38, 1-based): chr1:10,258,514, T>C. VCF-style: chr1-10258514-T-C. GRCh37 (hg19) VCF-style: chr1-10318572-T-C.
Other names: c.205T>C, p.Ser69Pro (NM_001365952.1, NM_001365953.1, NM_015074.3 and 1 more transcripts); short protein forms S69P.
Identifiers: ClinVar variation 3226384 (VCV003226384.1), dbSNP rs2523465197, ClinGen allele CA338324737.

ClinVar aggregate classification (germline): Uncertain significance (1 of 4 stars; one submission).

Submission:

Ambry Genetics
Classification: Uncertain significance. Last evaluated: 2023-11-18. Review status: criteria provided, single submitter. Criteria: Ambry Variant Classification Scheme 2023. Collection method: clinical testing. Allele origin: germline.
Comment: The p.S69P variant (also known as c.205T>C), located in coding exon 3 of the KIF1B gene, results from a T to C substitution at nucleotide position 205. The serine at codon 69 is replaced by proline, an amino acid with similar properties. This amino acid position is conserved. In addition, this alteration is predicted to be deleterious by in silico analysis. Since supporting evidence is limited at this time, the clinical significance of this alteration remains unclear.